The following is an entry in ClinVar:

NM_000136.3(FANCC):c.1440dup (p.Ala481fs)

Genes: AOPEP (aminopeptidase O (putative); plus strand), FANCC (FA complementation group C; minus strand). Cytogenetic location: 9q22.32.
Variant type: Duplication.
Coding change: c.1440dup on transcript NM_000136.3 (MANE Select); coding-DNA position 1440, one base duplicated (A; older notation c.1440dupA).
Protein change: p.Ala481fs; shifts the reading frame from alanine 481.
Molecular consequence: frameshift variant.
Genome position (GRCh38, 1-based): chr9:95,107,159, T duplicated on the plus strand (A on the coding strand, the reverse complement: FANCC is on the minus strand). VCF-style (leftmost placement, unchanged base first): chr9-95107158-C-CT. GRCh37 (hg19) VCF-style: chr9-97869440-C-CT.
Other names: c.1440dup, p.Ala481fs (NM_001243743.2); short protein forms A481fs.
Identifiers: ClinVar variation 957654 (VCV000957654.9), dbSNP rs2071512726, ClinGen allele CA1139661053.

ClinVar aggregate classification (germline): Pathogenic (1 of 4 stars; one submission).

Conditions:
Fanconi anemia (FA). Also called: Fanconi's anemia. Identifiers: Orphanet 84, MedGen C0015625, MeSH D005199, MONDO:0019391.

Submission:

Labcorp Genetics (formerly Invitae), Labcorp
Classification: Pathogenic for Fanconi anemia. Last evaluated: 2019-10-27. Review status: criteria provided, single submitter. Criteria: Invitae Variant Classification Sherloc (09022015). Collection method: clinical testing. Allele origin: germline.
Comment: This variant is not present in population databases (ExAC no frequency). This variant has not been reported in the literature in individuals with FANCC-related conditions. This variant disrupts the C-terminus of the FANCC protein. Other variant(s) that disrupt this region (p.Arg548*) have been determined to be pathogenic (PMID: 8103176, 24584348, 8882868). This suggests that variants that disrupt this region of the protein are likely to be causative of disease. For these reasons, this variant has been classified as Pathogenic. This sequence change results in a premature translational stop signal in the FANCC gene (p.Ala481Serfs*37). While this is not anticipated to result in nonsense mediated decay, it is expected to disrupt the last 42 amino acids of the FANCC protein.

Literature cited by the submitters: PubMed 8103176; PubMed 24584348; PubMed 8882868.